The following is an entry in ClinVar:

NM_172107.4(KCNQ2):c.1911_1912del (p.Asp638fs)

Gene: KCNQ2 (potassium voltage-gated channel subfamily Q member 2; minus strand). Cytogenetic location: 20q13.33.
Variant type: Deletion.
Coding change: c.1911_1912del on transcript NM_172107.4 (MANE Select); coding-DNA positions 1911 to 1912, 2 bases deleted (GG; older notation c.1911_1912delGG).
Protein change: p.Asp638fs; shifts the reading frame from aspartic acid 638.
Molecular consequence: frameshift variant.
Genome position (GRCh38, 1-based): chr20:63,407,351-63,407,352, CC deleted on the plus strand (GG on the coding strand, the reverse complement: KCNQ2 is on the minus strand). VCF-style (leftmost placement, unchanged base first): chr20-63407350-TCC-T. GRCh37 (hg19) VCF-style: chr20-62038703-TCC-T.
Other names: c.1965_1966del, p.Asp656fs (NM_001382235.1); c.1854_1855del, p.Asp619fs (NM_001439003.1); c.1824_1825del, p.Asp609fs (NM_001439004.1); c.1827_1828del, p.Asp610fs (NM_004518.6); c.1857_1858del, p.Asp620fs (NM_172106.3); c.1818_1819del, p.Asp607fs (NM_172108.5); short protein forms D607fs, D609fs, D610fs, D656fs, D619fs, D620fs, D638fs.
Identifiers: ClinVar variation 4725221 (VCV004725221.1).

ClinVar aggregate classification (germline): Pathogenic (1 of 4 stars; one submission).

Conditions:
Early-infantile DEE. Also called: Early infantile epileptic encephalopathy with suppression bursts; Early infantile epileptic encephalopathy; Ohtahara syndrome. Identifiers: Orphanet 1934, MedGen C0393706, MONDO:0800491.

Submission:

Labcorp Genetics (formerly Invitae), Labcorp
Classification: Pathogenic for Early-infantile DEE. Last evaluated: 2025-11-05. Review status: criteria provided, single submitter. Criteria: Invitae Variant Classification Sherloc (09022015). Collection method: clinical testing. Allele origin: germline.
Comment: This sequence change creates a premature translational stop signal (p.Asp638Leufs*226) in the KCNQ2 gene. While this is not anticipated to result in nonsense mediated decay, it is expected to disrupt the last 235 amino acid(s) of the KCNQ2 protein. This variant is not present in population databases (gnomAD no frequency). This variant has not been reported in the literature in individuals affected with KCNQ2-related conditions. This variant disrupts a region of the KCNQ2 protein in which other variant(s) (p.Lys829Serfs*35) have been determined to be pathogenic (internal data). This suggests that this is a clinically significant region of the protein, and that variants that disrupt it are likely to be disease-causing. For these reasons, this variant has been classified as Pathogenic.